The following is an entry in ClinVar:

ClinVar aggregate classification (germline): Conflicting classifications of pathogenicity. Review status: criteria provided, conflicting classifications (1 of 4 stars). 3 submissions from 3 submitters: Uncertain significance (1); Likely benign (1). 1 of the submissions does not count toward it. Last evaluated 2025-06-04.

Conditions:
TRIM32-related disorder. Also called: TRIM32-related condition.
Bardet-Biedl syndrome (BBS). Identifiers: Orphanet 110, MedGen C0752166, MONDO:0015229.

Allele frequency attached by ClinVar (database versions not stated): gnomAD below 0.00001 and 0.00001; ExAC 0.00001; gnomAD exomes 0.00001.
gnomAD v4.1: 12 of 1,613,972 alleles (0.00074%); highest among the groups gnomAD compares: South Asian, 0.0022%; no homozygotes.

Submissions (3):

Labcorp Genetics (formerly Invitae), Labcorp
Classification: Likely benign for Bardet-Biedl syndrome. Last evaluated: 2025-06-04. Review status: criteria provided, single submitter. Criteria: Invitae Variant Classification Sherloc (09022015). Collection method: clinical testing. Allele origin: germline.

Eurofins Ntd Llc (ga)
Classification: Uncertain significance. Last evaluated: 2014-11-20. Review status: criteria provided, single submitter. Criteria: EGL Classification Definitions 2015. Collection method: clinical testing. Allele origin: germline. Observed: 2 variant alleles, 2 heterozygotes.

PreventionGenetics, part of Exact Sciences
Classification: Likely benign for TRIM32-related condition. Last evaluated: 2021-12-27. Review status: no assertion criteria provided. Collection method: clinical testing. Allele origin: germline. Not counted in ClinVar's aggregate classification.
Comment: This variant is classified as likely benign based on ACMG/AMP sequence variant interpretation guidelines (Richards et al. 2015 PMID: 25741868, with internal and published modifications).

NM_012210.4(TRIM32):c.633T>C (p.Ala211=)

Genes: ASTN2 (astrotactin 2; minus strand), TRIM32 (tripartite motif containing 32; plus strand). Cytogenetic location: 9q33.1.
Variant type: single nucleotide variant.
Coding change: c.633T>C on transcript NM_012210.4 (MANE Select); coding-DNA position 633, T replaced by C.
Protein change: p.Ala211=; no amino-acid change (alanine 211 retained).
Molecular consequence: synonymous variant. On other transcripts: intron variant (3).
Genome position (GRCh38, 1-based): chr9:116,698,375, T>C. VCF-style: chr9-116698375-T-C. GRCh37 (hg19) VCF-style: chr9-119460654-T-C.
Other names: c.633T>C, p.Ala211= (NM_001099679.2, NM_001379048.1, NM_001379049.1 and 1 more transcripts); c.2653+27396A>G (NM_014010.5); c.2794+27396A>G (NM_001365069.1); c.2806+27396A>G (NM_001365068.1).
Identifiers: ClinVar variation 195283 (VCV000195283.10), dbSNP rs753960738, ClinGen allele CA241638.